The following is an entry in ClinVar:

ClinVar aggregate classification (germline): Likely benign (0 of 4 stars; one submission).

Conditions:
HMG20A-related disorder. Also called: HMG20A-related condition.

Allele frequency attached by ClinVar (database versions not stated): 1000 Genomes Project 0.00120; ExAC 0.00121; 1000 Genomes Project 30x 0.00141; TOPMed 0.00141; gnomAD 0.00143; gnomAD exomes 0.00167; ESP Exome Variant Server 0.00216.
gnomAD v4.1: 2,657 of 1,607,964 alleles (0.17%); highest among the groups gnomAD compares: Non-Finnish European, 0.19%; 5 homozygotes.

Submission:

PreventionGenetics, part of Exact Sciences
Classification: Likely benign for HMG20A-related condition. Last evaluated: 2019-10-28. Review status: no assertion criteria provided. Collection method: clinical testing. Allele origin: germline.
Comment: This variant is classified as likely benign based on ACMG/AMP sequence variant interpretation guidelines (Richards et al. 2015 PMID: 25741868, with internal and published modifications).

NM_001304504.2(HMG20A):c.-1G>A

Gene: HMG20A (high mobility group 20A; plus strand). Cytogenetic location: 15q24.3.
Variant type: single nucleotide variant.
Coding change: c.-1G>A on transcript NM_001304504.2 (MANE Select); 1 bases upstream of the start codon, G replaced by A.
Molecular consequence: 5 prime UTR variant.
Genome position (GRCh38, 1-based): chr15:77,458,407, G>A. VCF-style: chr15-77458407-G-A. GRCh37 (hg19) VCF-style: chr15-77750749-G-A.
Other names: c.-252G>A (NM_001304505.2); c.-1G>A (NM_018200.4).
Identifiers: ClinVar variation 3034449 (VCV003034449.2), dbSNP rs61755713, ClinGen allele CA7677432.